The following is an entry in ClinVar:

ClinVar aggregate classification (germline): Uncertain significance (1 of 4 stars; one submission).

Allele frequency attached by ClinVar (database versions not stated): gnomAD exomes 0.00003; gnomAD 0.00004; TOPMed 0.00004; ExAC 0.00012; 1000 Genomes Project 0.00020; 1000 Genomes Project 30x 0.00031.
gnomAD v4.1: 48 of 1,606,298 alleles (0.003%); highest among the groups gnomAD compares: East Asian, 0.049%; 1 homozygote.

Submission:

Labcorp Genetics (formerly Invitae), Labcorp
Classification: Uncertain significance. Last evaluated: 2025-09-15. Review status: criteria provided, single submitter. Criteria: Invitae Variant Classification Sherloc (09022015). Collection method: clinical testing. Allele origin: germline.
Comment: This sequence change replaces phenylalanine, which is neutral and non-polar, with serine, which is neutral and polar, at codon 374 of the SCARF2 protein (p.Phe374Ser). This variant is present in population databases (rs577707701, gnomAD 0.06%). This variant has not been reported in the literature in individuals affected with SCARF2-related conditions. ClinVar contains an entry for this variant (Variation ID: 2065232). An algorithm developed to predict the effect of missense changes on protein structure and function (PolyPhen-2) suggests that this variant is likely to be tolerated. In summary, the available evidence is currently insufficient to determine the role of this variant in disease. Therefore, it has been classified as a Variant of Uncertain Significance.

NM_182895.5(SCARF2):c.1121T>C (p.Phe374Ser)

Gene: SCARF2 (scavenger receptor class F member 2; minus strand). Cytogenetic location: 22q11.21.
Variant type: single nucleotide variant.
Coding change: c.1121T>C on transcript NM_182895.5 (MANE Select); coding-DNA position 1121, T replaced by C.
Protein change: p.Phe374Ser; replaces phenylalanine 374 with serine.
Molecular consequence: missense variant.
Genome position (GRCh38, 1-based): chr22:20,430,510, A>G on the plus strand (T>C on the coding strand, the complement: SCARF2 is on the minus strand). VCF-style: chr22-20430510-A-G. GRCh37 (hg19) VCF-style: chr22-20784797-A-G.
Other names: c.1121T>C, p.Phe374Ser (NM_153334.7); short protein forms F374S.
Identifiers: ClinVar variation 2065232 (VCV002065232.4), dbSNP rs577707701, ClinGen allele CA10112516.